The following is an entry in ClinVar:

ClinVar aggregate classification (germline): Conflicting classifications of pathogenicity. Review status: criteria provided, conflicting classifications (1 of 4 stars). 3 submissions from 3 submitters: Uncertain significance (2); Likely benign (1). Last evaluated 2025-10-02.

Allele frequency attached by ClinVar (database versions not stated): ExAC 0.00002; gnomAD exomes 0.00004; gnomAD 0.00005; TOPMed 0.00005; 1000 Genomes Project 30x 0.00031.
gnomAD v4.1: 67 of 1,613,914 alleles (0.0042%); highest among the groups gnomAD compares: Admixed American, 0.018%; no homozygotes.

Submissions (3):

Labcorp Genetics (formerly Invitae), Labcorp
Classification: Uncertain significance. Last evaluated: 2025-10-02. Review status: criteria provided, single submitter. Criteria: Invitae Variant Classification Sherloc (09022015). Collection method: clinical testing. Allele origin: germline.
Comment: This sequence change replaces threonine, which is neutral and polar, with methionine, which is neutral and non-polar, at codon 995 of the A2ML1 protein (p.Thr995Met). This variant is present in population databases (rs755702632, gnomAD 0.02%). This variant has not been reported in the literature in individuals affected with A2ML1-related conditions. ClinVar contains an entry for this variant (Variation ID: 929040). An algorithm developed to predict the effect of missense changes on protein structure and function (PolyPhen-2) suggests that this variant is likely to be disruptive. In summary, the available evidence is currently insufficient to determine the role of this variant in disease. Therefore, it has been classified as a Variant of Uncertain Significance.

Ambry Genetics
Classification: Uncertain significance. Last evaluated: 2024-05-30. Review status: criteria provided, single submitter. Criteria: Ambry Variant Classification Scheme 2023. Collection method: clinical testing. Allele origin: germline.

Women's Health and Genetics/Laboratory Corporation of America, LabCorp
Classification: Likely benign. Last evaluated: 2019-11-11. Review status: criteria provided, single submitter. Criteria: LabCorp Variant Classification Summary - May 2015. Collection method: clinical testing. Allele origin: germline.
Comment: Variant summary: A2ML1 c.2984C>T (p.Thr995Met) results in a non-conservative amino acid change located in the Alpha-macroglobulin-like, TED domain (IPR011626) of the encoded protein sequence. Three of five in-silico tools predict a damaging effect of the variant on protein function. The variant allele was found at a frequency of 4e-05 in 249554 control chromosomes. The observed variant frequency is approximately 10 fold of the estimated maximal expected allele frequency for a pathogenic variant in A2ML1 causing Noonan Syndrome phenotype (4e-06), strongly suggesting that the variant is benign. To our knowledge, no occurrence of c.2984C>T in individuals affected with Noonan Syndrome and no experimental evidence demonstrating its impact on protein function have been reported. No clinical diagnostic laboratories have submitted clinical-significance assessments for this variant to ClinVar after 2014. Based on the evidence outlined above, the variant was classified as likely benign.

NM_144670.6(A2ML1):c.2984C>T (p.Thr995Met)

Gene: A2ML1 (alpha-2-macroglobulin like 1; plus strand). Cytogenetic location: 12p13.31.
Variant type: single nucleotide variant.
Coding change: c.2984C>T on transcript NM_144670.6 (MANE Select); coding-DNA position 2984, C replaced by T.
Protein change: p.Thr995Met; replaces threonine 995 with methionine.
Molecular consequence: missense variant.
Genome position (GRCh38, 1-based): chr12:8,857,299, C>T. VCF-style: chr12-8857299-C-T. GRCh37 (hg19) VCF-style: chr12-9009895-C-T.
Other names: c.2984C>T (NM_144670.3); c.1511C>T, p.Thr504Met (NM_001282424.3); short protein forms T504M, T995M.
Identifiers: ClinVar variation 929040 (VCV000929040.8), dbSNP rs755702632, ClinGen allele CA6436215.